The following is an entry in ClinVar:

ClinVar aggregate classification (germline): Uncertain significance (1 of 4 stars; one submission).

Allele frequency attached by ClinVar (database versions not stated): TOPMed below 0.00001.

Submission:

GeneDx
Classification: Uncertain significance. Last evaluated: 2021-12-08. Review status: criteria provided, single submitter. Criteria: GeneDx Variant Classification Process June 2021. Collection method: clinical testing. Allele origin: germline. Affected: yes.
Comment: Has not been previously published as pathogenic or benign to our knowledge; Not observed at significant frequency in large population cohorts (gnomAD); In silico analysis supports that this missense variant does not alter protein structure/function

NM_012470.4(TNPO3):c.1372A>G (p.Thr458Ala)

Gene: TNPO3 (transportin 3; minus strand). Cytogenetic location: 7q32.1.
Variant type: single nucleotide variant.
Coding change: c.1372A>G on transcript NM_012470.4 (MANE Select); coding-DNA position 1372, A replaced by G.
Protein change: p.Thr458Ala; replaces threonine 458 with alanine.
Molecular consequence: missense variant. On other transcripts: non-coding transcript variant (18).
Genome position (GRCh38, 1-based): chr7:128,990,087, T>C on the plus strand (A>G on the coding strand, the complement: TNPO3 is on the minus strand). VCF-style: chr7-128990087-T-C. GRCh37 (hg19) VCF-style: chr7-128630141-T-C.
Other names: c.1372A>G, p.Thr458Ala (NM_001191028.3, NM_001382218.1, NM_001382220.1 and 1 more transcripts); c.1474A>G, p.Thr492Ala (NM_001382216.1); c.1453A>G, p.Thr485Ala (NM_001382217.1); c.1264A>G, p.Thr422Ala (NM_001382219.1); c.1228A>G, p.Thr410Ala (NM_001382221.1); c.1225A>G, p.Thr409Ala (NM_001382222.1); short protein forms T409A, T410A, T422A, T458A, T485A, T492A.
Identifiers: ClinVar variation 1691634 (VCV001691634.3), dbSNP rs1178751871, ClinGen allele CA369228806.